The following is an entry in ClinVar:

ClinVar aggregate classification (germline): Likely pathogenic (1 of 4 stars; one submission).

Conditions:
Congenital contractural arachnodactyly (CCA). Also called: Beals-Hecht syndrome; BEALS SYNDROME; Arthrogryposis, distal, type 9. Identifiers: Orphanet 115, MedGen C0220668, MONDO:0007363, OMIM 121050.

Submission:

Dasa
Classification: Likely pathogenic for Congenital contractural arachnodactyly. Last evaluated: 2025-11-12. Review status: criteria provided, single submitter. Criteria: DASA Assertion Criteria. Collection method: clinical testing. Allele origin: germline.
Comment: NM_001999.4(FBN2):c.2853del (p.Thr952Argfs*54) is a frameshift variant in FBN2 predicted to alter the reading frame and introduce a premature termination codon and is predicted to result in an absent or altered protein product. Loss of function is an established disease mechanism for FBN2-associated disorders. Also, this variant is absent from population databases. Based on the currently available evidence, this variant is classified as likely pathogenic.

NM_001999.4(FBN2):c.2853del (p.Thr952fs)

Gene: FBN2 (fibrillin 2; minus strand). Cytogenetic location: 5q23.3.
Variant type: Deletion.
Coding change: c.2853del on transcript NM_001999.4 (MANE Select); coding-DNA position 2853, one base deleted (T; older notation c.2853delT).
Protein change: p.Thr952fs; shifts the reading frame from threonine 952.
Molecular consequence: frameshift variant.
Genome position (GRCh38, 1-based): chr5:128,349,965, A deleted on the plus strand (T on the coding strand, the reverse complement: FBN2 is on the minus strand); the first of 2 consecutive A bases (chr5:128,349,965-128,349,966); deleting either gives the same sequence. VCF-style (leftmost placement, unchanged base first): chr5-128349964-TA-T. GRCh37 (hg19) VCF-style: chr5-127685656-TA-T.
Other names: short protein forms T952fs.
Identifiers: ClinVar variation 4884244 (VCV004884244.2).